The following is an entry in ClinVar:

ClinVar aggregate classification (germline): Conflicting classifications of pathogenicity. Review status: criteria provided, conflicting classifications (1 of 4 stars). 4 submissions from 4 submitters: Uncertain significance (3); Likely benign (1). Last evaluated 2025-12-21.

Conditions:
Birt-Hogg-Dube syndrome. Also called: Birt Hogg Dubé syndrome. Identifiers: Orphanet 122, MedGen C0346010, MONDO:0800444.
Colorectal cancer. Also called: Colorectal cancer, somatic; Malignant Colorectal Neoplasm. Identifiers: MedGen C0346629, MONDO:0005575, OMIM 114500.
Nonpapillary renal cell carcinoma. Identifiers: Orphanet 422526, MedGen CN074294, MONDO:0007763, OMIM 144700.
Familial spontaneous pneumothorax (PSP). Identifiers: Orphanet 2903, MedGen C1868193, MONDO:0008259, OMIM 173600.
17p11.2 microduplication syndrome (PTLS). Also called: CHROMOSOME 17p11.2 DUPLICATION SYNDROME; Potocki-Lupski syndrome; Duplication 17p11.2 syndrome; Potocki-Lupski syndrome (dup(17)(p11.2p11.2)). Identifiers: Orphanet 1713, MedGen C2931246, MONDO:0012574, OMIM 610883.
Birt-Hogg-Dube syndrome 1 (BHD1). Also called: FIBROFOLLICULOMAS WITH TRICHODISCOMAS AND ACROCHORDONS. Identifiers: Orphanet 122, MedGen CN375946, MONDO:0800445, OMIM 135150.
Hereditary cancer-predisposing syndrome. Also called: Hereditary neoplastic syndrome; Neoplastic Syndromes, Hereditary; Tumor predisposition; Hereditary Cancer Syndrome. Identifiers: Orphanet 140162, MedGen C0027672, MeSH D009386, MONDO:0015356.

Allele frequency attached by ClinVar (database versions not stated): ExAC 0.00001; gnomAD exomes 0.00001 and 0.00002; TOPMed 0.00001; gnomAD 0.00003.

Submissions (4):

Labcorp Genetics (formerly Invitae), Labcorp
Classification: Uncertain significance for Birt-Hogg-Dube syndrome. Last evaluated: 2025-12-21. Review status: criteria provided, single submitter. Criteria: Invitae Variant Classification Sherloc (09022015). Collection method: clinical testing. Allele origin: germline.
Comment: This sequence change replaces glycine, which is neutral and non-polar, with serine, which is neutral and polar, at codon 202 of the FLCN protein (p.Gly202Ser). This variant is present in population databases (rs774491699, gnomAD 0.003%). This variant has not been reported in the literature in individuals affected with FLCN-related conditions. ClinVar contains an entry for this variant (Variation ID: 460622). Invitae Evidence Modeling of protein sequence and biophysical properties (such as structural, functional, and spatial information, amino acid conservation, physicochemical variation, residue mobility, and thermodynamic stability) indicates that this missense variant is not expected to disrupt FLCN protein function with a negative predictive value of 80%. In summary, the available evidence is currently insufficient to determine the role of this variant in disease. Therefore, it has been classified as a Variant of Uncertain Significance.

Baylor Genetics
Classification: Uncertain significance for Birt-Hogg-Dube syndrome 1. Last evaluated: 2023-12-07. Review status: criteria provided, single submitter. Criteria: ACMG Guidelines, 2015. Collection method: clinical testing. Allele origin: unknown.

Fulgent Genetics
Classification: Uncertain significance for Colorectal cancer; Birt-Hogg-Dube syndrome 1; Nonpapillary renal cell carcinoma; Familial spontaneous pneumothorax; 17p11.2 microduplication syndrome. Last evaluated: 2022-02-04. Review status: criteria provided, single submitter. Criteria: ACMG Guidelines, 2015. Collection method: clinical testing. Allele origin: unknown.

Ambry Genetics
Classification: Likely benign for Hereditary cancer-predisposing syndrome. Last evaluated: 2021-12-14. Review status: criteria provided, single submitter. Criteria: Ambry Variant Classification Scheme 2023. Collection method: clinical testing. Allele origin: germline.

NM_144997.7(FLCN):c.604G>A (p.Gly202Ser)

Gene: FLCN (folliculin; minus strand). Cytogenetic location: 17p11.2.
Variant type: single nucleotide variant.
Coding change: c.604G>A on transcript NM_144997.7 (MANE Select); coding-DNA position 604, G replaced by A.
Protein change: p.Gly202Ser; replaces glycine 202 with serine.
Molecular consequence: missense variant.
Genome position (GRCh38, 1-based): chr17:17,223,936, C>T on the plus strand (G>A on the coding strand, the complement: FLCN is on the minus strand). VCF-style: chr17-17223936-C-T. GRCh37 (hg19) VCF-style: chr17-17127250-C-T.
Other names: c.604G>A (LRG_325t1); c.658G>A, p.Gly220Ser (NM_001353229.2); c.604G>A, p.Gly202Ser (NM_001353230.2, NM_001353231.2, NM_144606.7); short protein forms G202S, G220S.
Identifiers: ClinVar variation 460622 (VCV000460622.15), dbSNP rs774491699, ClinGen allele CA8416374.